The following is an entry in ClinVar:

ClinVar aggregate classification (germline): Uncertain significance. Review status: criteria provided, multiple submitters, no conflicts (2 of 4 stars). 2 submissions from 2 submitters: Uncertain significance (2). Last evaluated 2025-01-28.

Conditions:
Cardiovascular phenotype. Identifiers: MedGen CN230736.

Allele frequency attached by ClinVar (database versions not stated): gnomAD exomes below 0.00001 and 0.00001; gnomAD 0.00003; TOPMed 0.00006.

Submissions (2):

Ambry Genetics
Classification: Uncertain significance for Cardiovascular phenotype. Last evaluated: 2025-01-28. Review status: criteria provided, single submitter. Criteria: Ambry Variant Classification Scheme 2023. Collection method: clinical testing. Allele origin: germline.
Comment: The p.T2785S variant (also known as c.8354C>G), located in coding exon 2 of the ZNF469 gene, results from a C to G substitution at nucleotide position 8354. The threonine at codon 2785 is replaced by serine, an amino acid with similar properties. This amino acid position is conserved. In addition, this alteration is predicted to be tolerated by in silico analysis. Since supporting evidence is limited at this time, the clinical significance of this alteration remains unclear.

GeneDx
Classification: Uncertain significance. Last evaluated: 2017-03-27. Review status: criteria provided, single submitter. Criteria: GeneDx Variant Classification (06012015). Collection method: clinical testing. Allele origin: germline. Affected: yes.
Comment: A variant of uncertain significance has been identified in the ZNF469 gene. The T2785S variant has not been published as pathogenic or been reported as benign to our knowledge. This variant is also not observed in large population cohorts (Lek et al., 2016). However, T2785S is a conservative amino acid substitution, which is not likely to impact secondary protein structure as these residues share similar properties. Additionally, this substitution occurs at a position that is not conserved across species and in silico analysis predicts this variant is probably not damaging to the protein structure/function.

NM_001367624.2(ZNF469):c.8438C>G (p.Thr2813Ser)

Gene: ZNF469 (zinc finger protein 469; plus strand). Cytogenetic location: 16q24.2.
Variant type: single nucleotide variant.
Coding change: c.8438C>G on transcript NM_001367624.2 (MANE Select); coding-DNA position 8438, C replaced by G.
Protein change: p.Thr2813Ser; replaces threonine 2813 with serine.
Molecular consequence: missense variant.
Genome position (GRCh38, 1-based): chr16:88,435,908, C>G. VCF-style: chr16-88435908-C-G. GRCh37 (hg19) VCF-style: chr16-88502316-C-G.
Other names: NM_001127464.1:c.8354C>G; short protein forms T2813S.
Identifiers: ClinVar variation 426929 (VCV000426929.5), dbSNP rs985304000, ClinGen allele CA286384131.